The following is an entry in ClinVar:

NM_001288739.2(DNM1):c.1284G>A (p.Val428=)

Gene: DNM1 (dynamin 1; plus strand). Cytogenetic location: 9q34.11.
Variant type: single nucleotide variant.
Coding change: c.1284G>A on transcript NM_001288739.2 (MANE Plus Clinical); coding-DNA position 1284, G replaced by A.
Protein change: p.Val428=; no amino-acid change (valine 428 retained).
Molecular consequence: synonymous variant. On other transcripts: intron variant (3).
Genome position (GRCh38, 1-based): chr9:128,226,122, G>A. VCF-style: chr9-128226122-G-A. GRCh37 (hg19) VCF-style: chr9-130988401-G-A.
Other names: c.1284G>A, p.Val428= (NM_001288737.2, NM_001288738.2); c.1335+1733G>A (NM_001005336.3, NM_001374269.1, NM_004408.4).
Identifiers: ClinVar variation 4292220 (VCV004292220.1).
Genomic context (GRCh38, chr9:128,226,122, plus strand): 5'-TTTTGAAGCCACAGTGAAAAAGCAGGTGCAGAAGCTCAAAGAGCCCAGTATCAAGTGTGT[G>A]GATATGGTAGTCAGTGAGCTCACAGCCACCATCAGAAAGTGTAGCGAAAAGGTATGACGG-3'
Protein context (NP_001275668.1, residues 418-438): QKLKEPSIKC[Val428=]DMVVSELTAT

ClinVar aggregate classification (germline): Uncertain significance (1 of 4 stars; one submission).

Conditions:
Developmental and epileptic encephalopathy, 31A. Also called: Epileptic encephalopathy, early infantile, 31; Developmental and epileptic encephalopathy, 31. Identifiers: Orphanet 2382, MedGen C4225357, MONDO:0014598, OMIM 616346.

Submission:

3billion
Classification: Uncertain significance for Developmental and epileptic encephalopathy, 31A. Last evaluated: 2024-12-12. Review status: criteria provided, single submitter. Criteria: ACMG Guidelines, 2015. Collection method: clinical testing. Allele origin: germline. Affected: yes.
Comment: The variant is not observed in the gnomAD v4.1.0 dataset. Predicted Consequence/Location: Intron variant In silico tools predict the variant to alter splicing and produce an abnormal transcript [SpliceAI: 0.37 (>=0.2, moderate evidence for spliceogenicity)]. Therefore, this variant is classified as VUS according to the recommendation of ACMG/AMP guideline.